The following is an entry in ClinVar:

NM_023110.3(FGFR1):c.694G>T (p.Val232Leu)

Gene: FGFR1 (fibroblast growth factor receptor 1; minus strand). Cytogenetic location: 8p11.23.
Variant type: single nucleotide variant.
Coding change: c.694G>T on transcript NM_023110.3 (MANE Select); coding-DNA position 694, G replaced by T.
Protein change: p.Val232Leu; replaces valine 232 with leucine.
Molecular consequence: missense variant.
Genome position (GRCh38, 1-based): chr8:38,426,173, C>A on the plus strand (G>T on the coding strand, the complement: FGFR1 is on the minus strand). VCF-style: chr8-38426173-C-A. GRCh37 (hg19) VCF-style: chr8-38283691-C-A.
Other names: c.694G>T, p.Val232Leu (NM_001174063.2); c.670G>T, p.Val224Leu (NM_001174064.2); c.688G>T, p.Val230Leu (NM_001174065.2, NM_001354367.2, NM_001354369.2 and 2 more transcripts); c.427G>T, p.Val143Leu (NM_001174066.2, NM_023105.3); c.787G>T, p.Val263Leu (NM_001174067.2); c.421G>T, p.Val141Leu (NM_001354368.2, NM_001354370.2, NM_023106.3); short protein forms V141L, V143L, V224L, V230L, V232L, V263L.
Identifiers: ClinVar variation 3629796 (VCV003629796.1).
Genomic context (GRCh38, chr8:38,426,173, plus strand): 5'-CCCTCTTACCCACGACATCCAGCTGGTATGTGTGGTTGATGCTGCCGTACTCATTCTCCA[C>A]AATGCAGGTGTAGTTGCCCTTGTCAGAGGGCACCACAGAGTCCATTATGATGCTCCAGGT-3'
Protein context (NP_075598.2, residues 222-242): PSDKGNYTCI[Val232Leu]ENEYGSINHT

ClinVar aggregate classification (germline): Uncertain significance (1 of 4 stars; one submission).

gnomAD v4.1: 4 of 1,614,188 alleles (0.00025%); highest among the groups gnomAD compares: Non-Finnish European, 0.00034%; no homozygotes.

Submission:

Women's Health and Genetics/Laboratory Corporation of America, LabCorp
Classification: Uncertain significance. Last evaluated: 2024-11-06. Review status: criteria provided, single submitter. Criteria: LabCorp Variant Classification Summary - May 2015. Collection method: clinical testing. Allele origin: germline.
Comment: Variant summary: FGFR1 c.694G>T (p.Val232Leu) results in a conservative amino acid change located in the Second immunoglobulin (Ig)-like domain of fibroblast growth factor (FGF) receptor (IPR007110) of the encoded protein sequence. Three of five in-silico tools predict a damaging effect of the variant on protein function. The variant allele was found at a frequency of 4e-06 in 249576 control chromosomes. The available data on variant occurrences in the general population are insufficient to allow any conclusion about variant significance. To our knowledge, no occurrence of c.694G>T in individuals affected with FGFR1-Related Disorders and no experimental evidence demonstrating its impact on protein function have been reported. No submitters have cited clinical-significance assessments for this variant to ClinVar. Based on the evidence outlined above, the variant was classified as uncertain significance.